The following is an entry in ClinVar:

ClinVar aggregate classification (germline): Conflicting classifications of pathogenicity. Review status: criteria provided, conflicting classifications (1 of 4 stars). 10 submissions from 10 submitters: Uncertain significance (7); Likely benign (1). 2 of the submissions do not count toward it. Last evaluated 2025-11-23.

Conditions:
Malignant tumor of pancreas. Also called: Cancer of the pancreas; Malignant pancreatic neoplasm; Pancreatic cancer. Identifiers: MedGen C0346647, MONDO:0009831.
Hereditary cancer-predisposing syndrome. Also called: Hereditary neoplastic syndrome; Hereditary Cancer Syndrome; Neoplastic Syndromes, Hereditary; Tumor predisposition. Identifiers: Orphanet 140162, MedGen C0027672, MeSH D009386, MONDO:0015356.
Breast-ovarian cancer, familial, susceptibility to, 2 (BROVCA2). Also called: BRCA2 Hereditary Breast and Ovarian Cancer. Identifiers: Orphanet 145, MedGen C2675520, MONDO:0012933, OMIM 612555. Disease mechanism: loss of function.
Hereditary breast ovarian cancer syndrome. Also called: Hereditary breast and ovarian cancer syndrome; BRCA1- and BRCA2-Associated Hereditary Breast and Ovarian Cancer; Hereditary breast and/or ovarian cancer syndrome; Hereditary breast and ovarian cancer; Breast and ovarian cancer; Hereditary breast and ovarian cancer syndrome (HBOC). Identifiers: Orphanet 145, MedGen C0677776, MeSH D061325, MONDO:0003582. Disease mechanism: loss of function.
Malignant tumor of breast. Also called: Cancer breast; Malignant breast neoplasm. Identifiers: MedGen C0006142, MONDO:0007254. Disease mechanism: loss of function.

Submissions (10):

Labcorp Genetics (formerly Invitae), Labcorp
Classification: Uncertain significance for Hereditary breast ovarian cancer syndrome. Last evaluated: 2025-11-23. Review status: criteria provided, single submitter. Criteria: Invitae Variant Classification Sherloc (09022015). Collection method: clinical testing. Allele origin: germline.
Comment: This sequence change replaces glutamic acid, which is acidic and polar, with aspartic acid, which is acidic and polar, at codon 3377 of the BRCA2 protein (p.Glu3377Asp). This variant is not present in population databases (gnomAD no frequency). This missense change has been observed in individual(s) with BRCA2-related conditions (PMID: 14973102, 30287823, 30415210, 33078592). ClinVar contains an entry for this variant (Variation ID: 419387). Invitae Evidence Modeling of protein sequence and biophysical properties (such as structural, functional, and spatial information, amino acid conservation, physicochemical variation, residue mobility, and thermodynamic stability) indicates that this missense variant is not expected to disrupt BRCA2 protein function with a negative predictive value of 95%. In summary, the available evidence is currently insufficient to determine the role of this variant in disease. Therefore, it has been classified as a Variant of Uncertain Significance.

Ambry Genetics
Classification: Likely benign for Hereditary cancer-predisposing syndrome. Last evaluated: 2024-12-03. Review status: criteria provided, single submitter. Criteria: Ambry Variant Classification Scheme 2023. Collection method: clinical testing. Allele origin: germline.

All of Us Research Program, National Institutes of Health
Classification: Uncertain significance for Breast-ovarian cancer, familial, susceptibility to, 2. Last evaluated: 2023-08-15. Review status: criteria provided, single submitter. Criteria: ACMG Guidelines, 2015. Collection method: clinical testing. Allele origin: germline. Inheritance: Autosomal dominant inheritance. Observed: 2 variant alleles, 2 heterozygotes.
Comment: This missense variant replaces glutamic acid with aspartic acid at codon 3377 of the BRCA2 protein. Computational prediction suggests that this variant may not impact protein structure and function (internally defined REVEL score threshold <= 0.5, PMID: 27666373). To our knowledge, functional studies have not been reported for this variant. This variant has been reported in breast, colorectal, pancreatic, and prostate cancer case-control studies, in both cohorts, in which disease association could not be established (PMID: 14973102, 30287823, 31214711, 32980694, 33309985, 33471991). This variant has also been reported in an individual affected with ovarian cancer (PMID: 33078592). This variant has not been identified in the general population by the Genome Aggregation Database (gnomAD). The available evidence is insufficient to determine the role of this variant in disease conclusively. Therefore, this variant is classified as a Variant of Uncertain Significance.

This study involves interpretation of variants in research participants for the purpose of population health screening. Participant phenotype was not available at the time of variant classification. Additional details can be found in publication PMID: 35346344, PMCID: PMC8962531

Color Diagnostics, LLC DBA Color Health
Classification: Uncertain significance for Hereditary cancer-predisposing syndrome. Last evaluated: 2023-02-17. Review status: criteria provided, single submitter. Criteria: ACMG Guidelines, 2015. Collection method: clinical testing. Allele origin: germline.
Comment: This missense variant replaces glutamic acid with aspartic acid at codon 3377 of the BRCA2 protein. Computational prediction suggests that this variant may not impact protein structure and function (internally defined REVEL score threshold <= 0.5, PMID: 27666373). To our knowledge, functional studies have not been reported for this variant. This variant has been reported in breast, colorectal, pancreatic, and prostate cancer case-control studies, in both cohorts, in which disease association could not be established (PMID: 14973102, 30287823, 31214711, 32980694, 33309985, 33471991). This variant has also been reported in an individual affected with ovarian cancer (PMID: 33078592). This variant has not been identified in the general population by the Genome Aggregation Database (gnomAD). The available evidence is insufficient to determine the role of this variant in disease conclusively. Therefore, this variant is classified as a Variant of Uncertain Significance.

Women's Health and Genetics/Laboratory Corporation of America, LabCorp
Classification: Uncertain significance. Last evaluated: 2019-09-26. Review status: criteria provided, single submitter. Criteria: LabCorp Variant Classification Summary - May 2015. Collection method: clinical testing. Allele origin: germline.
Comment: Variant summary: BRCA2 c.10131A>C (p.Glu3377Asp) results in a conservative amino acid change in the encoded protein sequence. Five of five in-silico tools predict a benign effect of the variant on protein function. The variant was absent in 251898 control chromosomes (gnomAD). The available data on variant occurrences in the general population are insufficient to allow any conclusion about variant significance. c.10131A>C has been reported in the literature in individuals affected with Hereditary Breast and Ovarian Cancer and in controls (Suter_2004, Momozawa_2018). These reports do not provide unequivocal conclusions about association of the variant with Hereditary Breast and Ovarian Cancer. To our knowledge, no experimental evidence demonstrating an impact on protein function has been reported. Five ClinVar submissions (evaluation after 2014) cite the variant as uncertain significance. Based on the evidence outlined above, the variant was classified as uncertain significance.

Quest Diagnostics Nichols Institute San Juan Capistrano
Classification: Uncertain significance. Last evaluated: 2019-06-12. Review status: criteria provided, single submitter. Criteria: Quest Diagnostics criteria. Collection method: clinical testing. Allele origin: germline.

Mendelics
Classification: Uncertain significance for Breast-ovarian cancer, familial, susceptibility to, 2. Last evaluated: 2019-05-28. Review status: criteria provided, single submitter. Criteria: Mendelics Assertion Criteria 2017. Collection method: clinical testing. Allele origin: unknown.

GeneDx
Classification: Uncertain significance. Last evaluated: 2015-07-06. Review status: criteria provided, single submitter. Criteria: GeneDx Variant Classification (06012015). Collection method: clinical testing. Allele origin: germline. Affected: yes.
Comment: This variant is denoted BRCA2 c.10131A>C at the cDNA level, p.Glu3377Asp (E3377D) at the protein level, and results in the change of a Glutamic Acid to an Aspartic Acid (GAA>GAC). This variant, also known as BRCA2 10359A>C using alternate nomenclature, has been observed in 3 out of 645 women with a history of breast cancer and in 0 of 319 control subjects in single case-control study (Suter 2004). This variant has not, to our knowledge, been published in the literature as pathogenic or benign. BRCA2 Glu3377Asp was not observed in approximately 6,500 individuals of European and African American ancestry in the NHLBI Exome Sequencing Project, indicating it is not a common benign variant in these populations. Since Glutamic Acid and Aspartic Acid share similar properties, this is considered a conservative amino acid substitution. BRCA2 Glu3377Asp occurs at a position that is not conserved and is located within a region that interacts with RAD51 (Roy 2012). In silico analyses predict that this variant is unlikely to alter protein structure or function. Based on currently available information, it is unclear whether BRCA2 Glu3377Asp is pathogenic or benign. We consider it to be a variant of uncertain significance.

3DMed Clinical Laboratory Inc
Classification: Uncertain significance for Cancer of the pancreas. Last evaluated: 2017-07-29. Review status: no assertion criteria provided. Criteria: ACMG Guidelines, 2015. Collection method: clinical testing. Allele origin: germline. Affected: yes. Not counted in ClinVar's aggregate classification.

Department of Pathology and Laboratory Medicine, Sinai Health System
Classification: Uncertain significance for Malignant tumor of breast. Review status: no assertion criteria provided. Collection method: clinical testing. Allele origin: unknown. Affected: yes. Study: The Canadian Open Genetics Repository (COGR). Not counted in ClinVar's aggregate classification.
Comment: The BRCA2 p.Glu3377Asp variant was identified in 5 of 15,392 proband chromosomes (frequency: 0.0003) from individuals or families with breast cancer and was present in 9 of 48,100 control chromosomes (frequency: 0.0002) from healthy individuals (Momozawa 2018, Suter 2004). The variant was identified in dbSNP (rs1064793835) as â€šÃ„Ãºwith uncertain significance alleleâ€šÃ„Ã¹, ClinVar (classified as uncertain significance by Invitae, Ambry Genetics, GeneDx, Integrated Genetics and 2 other submitters) and LOVD 3.0 (observed 3x). The variant was not identified in UMD-LSDB. The variant was not identified in the following control databases: the Exome Aggregation Consortium (August 8th 2016), or the Genome Aggregation Database (Feb 27, 2017). The p.Glu3377 residue is not conserved in mammals and computational analyses (PolyPhen-2, SIFT, AlignGVGD, BLOSUM, MutationTaster) do not suggest a high likelihood of impact to the protein; however, this information is not predictive enough to rule out pathogenicity. The variant occurs outside of the splicing consensus sequence and 1 of 4 in silico or computational prediction software programs (SpliceSiteFinder, MaxEntScan, NNSPLICE, GeneSplicer) predict a greater than 10% difference in splicing; this is not very predictive of pathogenicity. In summary, based on the above information the clinical significance of this variant cannot be determined with certainty at this time. This variant is classified as a variant of uncertain significance.

Literature cited by the submitters: PubMed 14973102 (cited by 6 submitters); PubMed 30287823 (cited by 6 submitters); PubMed 30415210 (cited by 3 submitters); PubMed 33078592 (cited by 3 submitters); PubMed 32885271 (cited by Ambry Genetics); PubMed 31214711 (cited by All of Us Research Program, National Institutes of Health and Color Diagnostics, LLC DBA Color Health); PubMed 32980694 (cited by All of Us Research Program, National Institutes of Health and Color Diagnostics, LLC DBA Color Health); PubMed 33309985 (cited by All of Us Research Program, National Institutes of Health and Color Diagnostics, LLC DBA Color Health); PubMed 33471991 (cited by All of Us Research Program, National Institutes of Health and Color Diagnostics, LLC DBA Color Health); PubMed 28179634 (cited by Quest Diagnostics Nichols Institute San Juan Capistrano).

NM_000059.4(BRCA2):c.10131A>C (p.Glu3377Asp)

Gene: BRCA2 (BRCA2 DNA repair associated; plus strand). Cytogenetic location: 13q13.1.
Variant type: single nucleotide variant.
Coding change: c.10131A>C on transcript NM_000059.4 (MANE Select); coding-DNA position 10131, A replaced by C.
Protein change: p.Glu3377Asp; replaces glutamic acid 3377 with aspartic acid.
Molecular consequence: missense variant.
Genome position (GRCh38, 1-based): chr13:32,398,644, A>C. VCF-style: chr13-32398644-A-C. GRCh37 (hg19) VCF-style: chr13-32972781-A-C.
Other names: short protein forms E3377D.
Identifiers: ClinVar variation 419387 (VCV000419387.27), dbSNP rs1064793835, ClinGen allele CA16619803.